The following is an entry in ClinVar:

ClinVar aggregate classification (germline): Benign/Likely benign. Review status: criteria provided, multiple submitters, no conflicts (2 of 4 stars). 5 submissions from 5 submitters: Benign (1); Likely benign (1). 3 of the submissions do not count toward it. Last evaluated 2026-06-01.

Conditions:
CDSN-related disorder. Also called: CDSN-related condition.

Allele frequency attached by ClinVar (database versions not stated): 1000 Genomes Project 30x 0.00078; 1000 Genomes Project 0.00100; ESP Exome Variant Server 0.00108; TOPMed 0.00125; gnomAD exomes 0.00221 and 0.00318; ExAC 0.00284; gnomAD 0.00301 and 0.00312.
gnomAD v4.1: 3,660 of 1,613,792 alleles (0.23%); highest among the groups gnomAD compares: Admixed American, 0.2%; 15 homozygotes.

Submissions (5):

CeGaT Center for Human Genetics Tuebingen
Classification: Likely benign. Last evaluated: 2026-06-01. Review status: criteria provided, single submitter. Criteria: CeGaT Center For Human Genetics Tuebingen Variant Classification Criteria Version 2. Collection method: clinical testing. Allele origin: germline. Affected: yes. Observed: 5 variant alleles.
Comment: CDSN: BP4, BS2

Labcorp Genetics (formerly Invitae), Labcorp
Classification: Benign. Last evaluated: 2025-12-16. Review status: criteria provided, single submitter. Criteria: Invitae Variant Classification Sherloc (09022015). Collection method: clinical testing. Allele origin: germline.

PreventionGenetics, part of Exact Sciences
Classification: Benign for CDSN-related condition. Last evaluated: 2024-03-25. Review status: no assertion criteria provided. Collection method: clinical testing. Allele origin: germline. Not counted in ClinVar's aggregate classification.
Comment: This variant is classified as benign based on ACMG/AMP sequence variant interpretation guidelines (Richards et al. 2015 PMID: 25741868, with internal and published modifications).

Diagnostic Laboratory, Department of Genetics, University Medical Center Groningen
Classification: Likely benign. Review status: no assertion criteria provided. Collection method: clinical testing. Allele origin: germline. Affected: yes. Study: VKGL Data-share Consensus. Not counted in ClinVar's aggregate classification.

Genome Diagnostics Laboratory, University Medical Center Utrecht
Classification: Likely benign. Review status: no assertion criteria provided. Collection method: clinical testing. Allele origin: germline. Affected: yes. Study: VKGL Data-share Consensus. Not counted in ClinVar's aggregate classification.

NM_001264.5(CDSN):c.1302C>A (p.Ser434Arg)

Genes: CDSN (corneodesmosin; minus strand), PSORS1C1 (psoriasis susceptibility 1 candidate 1; plus strand). Cytogenetic location: 6p21.33.
Variant type: single nucleotide variant.
Coding change: c.1302C>A on transcript NM_001264.5 (MANE Select); coding-DNA position 1302, C replaced by A.
Protein change: p.Ser434Arg; replaces serine 434 with arginine.
Molecular consequence: missense variant. On other transcripts: intron variant (1).
Genome position (GRCh38, 1-based): chr6:31,116,313, G>T on the plus strand (C>A on the coding strand, the complement: CDSN is on the minus strand). VCF-style: chr6-31116313-G-T. GRCh37 (hg19) VCF-style: chr6-31084090-G-T.
Other names: c.-229+1422G>T (NM_014068.3); short protein forms S434R.
Identifiers: ClinVar variation 788855 (VCV000788855.37), dbSNP rs150846158, ClinGen allele CA3708338.